The following is an entry in ClinVar:

NM_020975.6(RET):c.1639G>A (p.Asp547Asn)

Gene: RET (ret proto-oncogene; plus strand). Cytogenetic location: 10q11.21.
Variant type: single nucleotide variant.
Coding change: c.1639G>A on transcript NM_020975.6 (MANE Select); coding-DNA position 1639, G replaced by A.
Protein change: p.Asp547Asn; replaces aspartic acid 547 with asparagine.
Molecular consequence: missense variant.
Genome position (GRCh38, 1-based): chr10:43,112,215, G>A. VCF-style: chr10-43112215-G-A. GRCh37 (hg19) VCF-style: chr10-43607663-G-A.
Other names: c.1639G>A, p.Asp547Asn (NM_000323.2, NM_001406743.1, NM_001406744.1 and 6 more transcripts); c.877G>A, p.Asp293Asn (NM_001355216.2); c.1510G>A, p.Asp504Asn (NM_001406761.1, NM_001406762.1, NM_001406764.1 and 1 more transcripts); c.913G>A, p.Asp305Asn (NM_001406776.1, NM_001406777.1, NM_001406778.1 and 1 more transcripts); c.742G>A, p.Asp248Asn (NM_001406779.1, NM_001406780.1, NM_001406781.1 and 3 more transcripts); c.613G>A, p.Asp205Asn (NM_001406783.1, NM_001406786.1); c.649G>A, p.Asp217Asn (NM_001406784.1); c.454G>A, p.Asp152Asn (NM_001406788.1, NM_001406789.1, NM_001406790.1 and 1 more transcripts); and 5 more; short protein forms D293N, D547N, D152N, D401N, D64N, D205N, D415N, D248N.
Identifiers: ClinVar variation 1002265 (VCV001002265.10), dbSNP rs1837955355, ClinGen allele CA376550863.

ClinVar aggregate classification (germline): Uncertain significance. Review status: criteria provided, multiple submitters, no conflicts (2 of 4 stars). 2 submissions from 2 submitters: Uncertain significance (2). Last evaluated 2026-02-10.

Conditions:
Hereditary cancer-predisposing syndrome. Also called: Hereditary Cancer Syndrome; Neoplastic Syndromes, Hereditary; Tumor predisposition; Hereditary neoplastic syndrome. Identifiers: Orphanet 140162, MedGen C0027672, MeSH D009386, MONDO:0015356.
Multiple endocrine neoplasia, type 2 (MEN2). Identifiers: Orphanet 653, MedGen C4048306, MONDO:0019003. Disease mechanism: gain of function.

Submissions (2):

Ambry Genetics
Classification: Uncertain significance for Hereditary cancer-predisposing syndrome. Last evaluated: 2026-02-10. Review status: criteria provided, single submitter. Criteria: Ambry Variant Classification Scheme 2023. Collection method: clinical testing. Allele origin: germline.
Comment: The p.D547N variant (also known as c.1639G>A), located in coding exon 8 of the RET gene, results from a G to A substitution at nucleotide position 1639. The aspartic acid at codon 547 is replaced by asparagine, an amino acid with highly similar properties. This amino acid position is well conserved in available vertebrate species. In addition, this alteration is predicted to be tolerated by in silico analysis. Based on the available evidence, the clinical significance of this variant remains unclear.

Labcorp Genetics (formerly Invitae), Labcorp
Classification: Uncertain significance for Multiple endocrine neoplasia, type 2. Last evaluated: 2022-11-16. Review status: criteria provided, single submitter. Criteria: Invitae Variant Classification Sherloc (09022015). Collection method: clinical testing. Allele origin: germline.
Comment: In summary, the available evidence is currently insufficient to determine the role of this variant in disease. Therefore, it has been classified as a Variant of Uncertain Significance. Algorithms developed to predict the effect of missense changes on protein structure and function (SIFT, PolyPhen-2, Align-GVGD) all suggest that this variant is likely to be tolerated. ClinVar contains an entry for this variant (Variation ID: 1002265). This variant has not been reported in the literature in individuals affected with RET-related conditions. This variant is not present in population databases (gnomAD no frequency). This sequence change replaces aspartic acid, which is acidic and polar, with asparagine, which is neutral and polar, at codon 547 of the RET protein (p.Asp547Asn).